The following is an entry in ClinVar:

ClinVar aggregate classification (germline): Uncertain significance. Review status: criteria provided, multiple submitters, no conflicts (2 of 4 stars). 2 submissions from 2 submitters: Uncertain significance (2). Last evaluated 2023-03-01.

Allele frequency attached by ClinVar (database versions not stated): ExAC 0.00001; gnomAD 0.00001; TOPMed 0.00001.
gnomAD v4.1: 6 of 1,613,854 alleles (0.00037%); highest among the groups gnomAD compares: Non-Finnish European, 0.00051%; no homozygotes.

Submissions (2):

CeGaT Center for Human Genetics Tuebingen
Classification: Uncertain significance. Last evaluated: 2023-03-01. Review status: criteria provided, single submitter. Criteria: CeGaT Center For Human Genetics Tuebingen Variant Classification Criteria Version 2. Collection method: clinical testing. Allele origin: germline. Affected: yes. Observed: 1 variant allele.
Comment: PAFAH1B1: PP2

Labcorp Genetics (formerly Invitae), Labcorp
Classification: Uncertain significance. Last evaluated: 2022-11-26. Review status: criteria provided, single submitter. Criteria: Invitae Variant Classification Sherloc (09022015). Collection method: clinical testing. Allele origin: germline.
Comment: In summary, the available evidence is currently insufficient to determine the role of this variant in disease. Therefore, it has been classified as a Variant of Uncertain Significance. Algorithms developed to predict the effect of missense changes on protein structure and function (SIFT, PolyPhen-2, Align-GVGD) all suggest that this variant is likely to be tolerated. This variant has not been reported in the literature in individuals affected with PAFAH1B1-related conditions. This variant is not present in population databases (gnomAD no frequency). This sequence change replaces threonine, which is neutral and polar, with serine, which is neutral and polar, at codon 384 of the PAFAH1B1 protein (p.Thr384Ser).

NM_000430.4(PAFAH1B1):c.1151C>G (p.Thr384Ser)

Gene: PAFAH1B1 (platelet activating factor acetylhydrolase 1b regulatory subunit 1; plus strand). Cytogenetic location: 17p13.3.
Variant type: single nucleotide variant.
Coding change: c.1151C>G on transcript NM_000430.4 (MANE Select); coding-DNA position 1151, C replaced by G.
Protein change: p.Thr384Ser; replaces threonine 384 with serine.
Molecular consequence: missense variant.
Genome position (GRCh38, 1-based): chr17:2,680,312, C>G. VCF-style: chr17-2680312-C-G. GRCh37 (hg19) VCF-style: chr17-2583606-C-G.
Other names: short protein forms T384S.
Identifiers: ClinVar variation 2498687 (VCV002498687.31), dbSNP rs763573429, ClinGen allele CA8283321.
Genomic context (GRCh38, chr17:2,680,312, plus strand): 5'-TATGGGATTACAAGAACAAGCGATGCATGAAGACCCTCAATGCGCATGAACACTTTGTTA[C>G]CTCCTTGGGTATGTACGCCTCGCGAGGTCTCTGAACATTAGATTTTGGAGTGCCAGACAA-3'
Protein context (NP_000421.1, residues 374-394): KTLNAHEHFV[Thr384Ser]SLDFHKTAPY